The following is an entry in ClinVar:

NM_001365536.1(SCN9A):c.3335G>A (p.Ser1112Asn)

Genes: SCN9A (sodium voltage-gated channel alpha subunit 9; minus strand), SCN1A-AS1 (SCN1A and SCN9A antisense RNA 1; plus strand). Cytogenetic location: 2q24.3.
Variant type: single nucleotide variant.
Coding change: c.3335G>A on transcript NM_001365536.1 (MANE Select); coding-DNA position 3335, G replaced by A.
Protein change: p.Ser1112Asn; replaces serine 1112 with asparagine.
Molecular consequence: missense variant.
Genome position (GRCh38, 1-based): chr2:166,272,415, C>T on the plus strand (G>A on the coding strand, the complement: SCN9A is on the minus strand). VCF-style: chr2-166272415-C-T. GRCh37 (hg19) VCF-style: chr2-167128925-C-T.
Other names: c.3302G>A, p.Ser1101Asn (NM_002977.4); short protein forms S1112N, S1101N.
Identifiers: ClinVar variation 4783391 (VCV004783391.1).
Genomic context (GRCh38, chr2:166,272,415, plus strand): 5'-ACTAATTGTTAATATGAAACACAAAGTATATGAAGCATTCTTACCACTTTGCTGTATTCA[C>T]TATCCGAATCACTGCTAAGTTCCTCAGCATTCATATTTTCCAAATCGGATTCCCCAGGTG-3'
Protein context (NP_001352465.1, residues 1102-1122): NAEELSSDSD[Ser1112Asn]EYSKVRLNRS

ClinVar aggregate classification (germline): Uncertain significance (1 of 4 stars; one submission).

Conditions:
Neuropathy, hereditary sensory and autonomic, type 2A (HSAN2A). Also called: ACROOSTEOLYSIS, GIACCAI TYPE; ACROOSTEOLYSIS, NEUROGENIC; WNK1-Related HSAN2 (HSAN2A); NEUROPATHY, HEREDITARY SENSORY RADICULAR, AUTOSOMAL RECESSIVE; MORVAN DISEASE; NEUROPATHY, CONGENITAL SENSORY. Identifiers: Orphanet 970, MedGen C2752089, MONDO:0024309, OMIM 201300.
Generalized epilepsy with febrile seizures plus, type 7 (GEFSP7). Also called: GEFS+, TYPE 7. Identifiers: Orphanet 36387, MedGen C2751778, MONDO:0013470, OMIM 613863.

gnomAD v4.1: 1 of 1,591,468 alleles (0.000063%); highest among the groups gnomAD compares: Non-Finnish European, 0.000086%; no homozygotes.

Submission:

Labcorp Genetics (formerly Invitae), Labcorp
Classification: Uncertain significance for Neuropathy, hereditary sensory and autonomic, type 2A; Generalized epilepsy with febrile seizures plus, type 7. Last evaluated: 2025-04-13. Review status: criteria provided, single submitter. Criteria: Invitae Variant Classification Sherloc (09022015). Collection method: clinical testing. Allele origin: germline.
Comment: This sequence change replaces serine, which is neutral and polar, with asparagine, which is neutral and polar, at codon 1101 of the SCN9A protein (p.Ser1101Asn). This variant is not present in population databases (gnomAD no frequency). This variant has not been reported in the literature in individuals affected with SCN9A-related conditions. Invitae Evidence Modeling of protein sequence and biophysical properties (such as structural, functional, and spatial information, amino acid conservation, physicochemical variation, residue mobility, and thermodynamic stability) indicates that this missense variant is not expected to disrupt SCN9A protein function with a negative predictive value of 95%. In summary, the available evidence is currently insufficient to determine the role of this variant in disease. Therefore, it has been classified as a Variant of Uncertain Significance.